The following is an entry in ClinVar:

ClinVar aggregate classification (germline): Pathogenic/Likely pathogenic. Review status: criteria provided, multiple submitters, no conflicts (2 of 4 stars). 2 submissions from 2 submitters: Pathogenic (1); Likely pathogenic (1). Last evaluated 2025-03-10.

Conditions:
Cohen syndrome (COH1). Also called: PEPPER SYNDROME; Cutis verticis gyrata, retinitis pigmentosa, and sensorineural deafness. Identifiers: Orphanet 193, MedGen C0265223, MONDO:0008999, OMIM 216550.

Submissions (2):

Natera, Inc.
Classification: Likely pathogenic for Cohen syndrome. Last evaluated: 2025-03-10. Review status: criteria provided, single submitter. Criteria: Natera Variant Classification Schema (03/2026). Collection method: clinical testing. Allele origin: germline.
Comment: The c.1666C>T variant in VPS13B is a nonsense variant predicted to introduce a stop codon at amino acid 556. This variant is expected to result in nonsense mediated decay, truncation, or a dysfunctional protein product. This variant is rare in the general population with a frequency below the threshold expected for the associated phenotype(s). Given the available evidence, this variant is classified as Likely Pathogenic.

Labcorp Genetics (formerly Invitae), Labcorp
Classification: Pathogenic for Cohen syndrome. Last evaluated: 2024-09-29. Review status: criteria provided, single submitter. Criteria: Invitae Variant Classification Sherloc (09022015). Collection method: clinical testing. Allele origin: germline.
Comment: This sequence change creates a premature translational stop signal (p.Gln556*) in the VPS13B gene. It is expected to result in an absent or disrupted protein product. Loss-of-function variants in VPS13B are known to be pathogenic (PMID: 15141358, 16648375, 20461111). This variant is not present in population databases (gnomAD no frequency). This variant has not been reported in the literature in individuals affected with VPS13B-related conditions. For these reasons, this variant has been classified as Pathogenic.

Literature cited by the submitters: PubMed 15141358 (cited by Labcorp Genetics (formerly Invitae), Labcorp); PubMed 16648375 (cited by Labcorp Genetics (formerly Invitae), Labcorp); PubMed 20461111 (cited by Labcorp Genetics (formerly Invitae), Labcorp).

NM_152564.5(VPS13B):c.1666C>T (p.Gln556Ter)

Gene: VPS13B (vacuolar protein sorting 13 homolog B; plus strand). Cytogenetic location: 8q22.2.
Variant type: single nucleotide variant.
Coding change: c.1666C>T on transcript NM_152564.5 (MANE Select); coding-DNA position 1666, C replaced by T.
Protein change: p.Gln556Ter; replaces glutamine 556 with a stop codon.
Molecular consequence: nonsense.
Genome position (GRCh38, 1-based): chr8:99,142,988, C>T. VCF-style: chr8-99142988-C-T. GRCh37 (hg19) VCF-style: chr8-100155216-C-T.
Other names: c.1666C>T, p.Gln556Ter (NM_015243.3, NM_017890.5); short protein forms Q556*.
Identifiers: ClinVar variation 3663325 (VCV003663325.4).